The following is an entry in ClinVar:

ClinVar aggregate classification (germline): Likely benign. Review status: criteria provided, single submitter (1 of 4 stars). 2 submissions from 2 submitters: Likely benign (1). 1 of the submissions does not count toward it. Last evaluated 2023-01-01.

Conditions:
TUBGCP2-related disorder. Also called: TUBGCP2-related condition.

Allele frequency attached by ClinVar (database versions not stated): TOPMed 0.00003; ExAC 0.00006; gnomAD exomes 0.00006; gnomAD 0.00007.
gnomAD v4.1: 111 of 1,613,222 alleles (0.0069%); highest among the groups gnomAD compares: Non-Finnish European, 0.0075%; no homozygotes.

Submissions (2):

CeGaT Center for Human Genetics Tuebingen
Classification: Likely benign. Last evaluated: 2023-01-01. Review status: criteria provided, single submitter. Criteria: CeGaT Center For Human Genetics Tuebingen Variant Classification Criteria Version 2. Collection method: clinical testing. Allele origin: germline. Affected: yes. Observed: 1 variant allele.
Comment: TUBGCP2: BP4, BP7

PreventionGenetics, part of Exact Sciences
Classification: Likely benign for TUBGCP2-related condition. Last evaluated: 2021-10-12. Review status: no assertion criteria provided. Collection method: clinical testing. Allele origin: germline. Not counted in ClinVar's aggregate classification.
Comment: This variant is classified as likely benign based on ACMG/AMP sequence variant interpretation guidelines (Richards et al. 2015 PMID: 25741868, with internal and published modifications).

NM_006659.4(TUBGCP2):c.834A>G (p.Glu278=)

Genes: TUBGCP2 (tubulin gamma complex component 2; minus strand), LOC126861106 (P300/CBP strongly-dependent group 1 enhancer GRCh37_chr10:135106330-135107529; plus strand). Cytogenetic location: 10q26.3.
Variant type: single nucleotide variant.
Coding change: c.834A>G on transcript NM_006659.4 (MANE Select); coding-DNA position 834, A replaced by G.
Protein change: p.Glu278=; no amino-acid change (glutamic acid 278 retained).
Molecular consequence: synonymous variant. On other transcripts: non-coding transcript variant (1).
Genome position (GRCh38, 1-based): chr10:133,293,229, T>C on the plus strand (A>G on the coding strand, the complement: TUBGCP2 is on the minus strand). VCF-style: chr10-133293229-T-C. GRCh37 (hg19) VCF-style: chr10-135106733-T-C.
Other names: c.918A>G, p.Glu306= (NM_001256617.2); c.444A>G, p.Glu148= (NM_001256618.2); c.918A>G (NM_001256617.1).
Identifiers: ClinVar variation 2641022 (VCV002641022.25), dbSNP rs111387511, ClinGen allele CA5764347.
Genomic context (GRCh38, chr10:133,293,229, plus strand): 5'-GGTGCGCATGGCGGCCGCCAGGGCGTGGTTCACCTGCCCGTACTCGAAGGAAGACTTCTC[T>C]TCAATGAACCTGGAAGAAAAGCTGTCAGACTTCCTCAAAAAGGCAAGCTGCAGGCACATA-3'
Protein context (NP_006650.1, residues 268-288): ASYSAVTRFI[Glu278=]EKSSFEYGQV